The following is an entry in ClinVar:

NM_032444.4(SLX4):c.761-32T>G

Gene: SLX4 (SLX4 structure-specific endonuclease subunit; minus strand). Cytogenetic location: 16p13.3.
Variant type: single nucleotide variant.
Coding change: c.761-32T>G on transcript NM_032444.4 (MANE Select); 32 bases into the intron before coding-DNA position 761, T replaced by G.
Molecular consequence: intron variant.
Genome position (GRCh38, 1-based): chr16:3,602,339, A>C on the plus strand (T>G on the coding strand, the complement: SLX4 is on the minus strand). VCF-style: chr16-3602339-A-C. GRCh37 (hg19) VCF-style: chr16-3652340-A-C.
Identifiers: ClinVar variation 929592 (VCV000929592.2), dbSNP rs118098382, ClinGen allele CA7866753.

ClinVar aggregate classification (germline): Likely benign. Review status: criteria provided, single submitter (1 of 4 stars). 2 submissions from 2 submitters: Likely benign (1). 1 of the submissions does not count toward it. Last evaluated 2019-03-06.

Allele frequency attached by ClinVar (database versions not stated): 1000 Genomes Project 30x 0.00219; 1000 Genomes Project 0.00240; ExAC 0.00852; TOPMed 0.00879; gnomAD exomes 0.00882; gnomAD 0.01011 and 0.00970; ESP Exome Variant Server 0.01139.
gnomAD v4.1: 22,863 of 1,611,100 alleles (1.4%); highest among the groups gnomAD compares: Non-Finnish European, 1.8%; 188 homozygotes.

Submissions (2):

GeneDx
Classification: Likely benign. Last evaluated: 2019-03-06. Review status: criteria provided, single submitter. Criteria: GeneDx Variant Classification (06012015). Collection method: clinical testing. Allele origin: germline. Affected: yes.

Leiden Open Variation Database
Classification: Likely benign. Last evaluated: 2012-08-31. Review status: no assertion criteria provided. Collection method: curation. Allele origin: germline. Affected: yes. Not counted in ClinVar's aggregate classification.
Comment: Curator: Arleen D. Auerbach. Submitter to LOVD: Janine Bakker.

Literature cited by the submitters: PubMed 22911665 (cited by Leiden Open Variation Database).